The following is an entry in ClinVar:

ClinVar aggregate classification (germline): Uncertain significance. Review status: criteria provided, multiple submitters, no conflicts (2 of 4 stars). 4 submissions from 4 submitters: Uncertain significance (4). Last evaluated 2025-04-10.

Conditions:
Hereditary cancer-predisposing syndrome. Also called: Neoplastic Syndromes, Hereditary; Tumor predisposition; Hereditary Cancer Syndrome; Hereditary neoplastic syndrome. Identifiers: Orphanet 140162, MedGen C0027672, MeSH D009386, MONDO:0015356.
Nijmegen breakage syndrome-like disorder (NBSLD). Also called: MICROCEPHALY AND SPONTANEOUS CHROMOSOME INSTABILITY WITHOUT IMMUNODEFICIENCY; NBS-LIKE DISORDER; RAD50 DEFICIENCY. Identifiers: Orphanet 240760, MedGen C2751318, MONDO:0013118, OMIM 613078.

Allele frequency attached by ClinVar (database versions not stated): gnomAD 0.00001; TOPMed 0.00001.
gnomAD v4.1: 16 of 1,613,146 alleles (0.00099%); highest among the groups gnomAD compares: African/African-American, 0.0013%; no homozygotes.

Submissions (4):

Labcorp Genetics (formerly Invitae), Labcorp
Classification: Uncertain significance for Hereditary cancer-predisposing syndrome. Last evaluated: 2025-04-10. Review status: criteria provided, single submitter. Criteria: Invitae Variant Classification Sherloc (09022015). Collection method: clinical testing. Allele origin: germline.
Comment: This sequence change replaces lysine, which is basic and polar, with asparagine, which is neutral and polar, at codon 122 of the RAD50 protein (p.Lys122Asn). This variant is present in population databases (rs587782384, gnomAD 0.002%). This variant has not been reported in the literature in individuals affected with RAD50-related conditions. ClinVar contains an entry for this variant (Variation ID: 142325). An algorithm developed to predict the effect of missense changes on protein structure and function (PolyPhen-2) suggests that this variant is likely to be disruptive. In summary, the available evidence is currently insufficient to determine the role of this variant in disease. Therefore, it has been classified as a Variant of Uncertain Significance.

Ambry Genetics
Classification: Uncertain significance for Hereditary cancer-predisposing syndrome. Last evaluated: 2024-08-09. Review status: criteria provided, single submitter. Criteria: Ambry Variant Classification Scheme 2023. Collection method: clinical testing. Allele origin: germline.
Comment: The p.K122N variant (also known as c.366G>C) is located in coding exon 4 of the RAD50 gene. The lysine at codon 122 is replaced by asparagine, an amino acid with similar properties. This change occurs in the first base pair of coding exon 4. This amino acid position is highly conserved in available vertebrate species. In addition, this alteration is predicted to be tolerated by in silico analysis. Since supporting evidence is limited at this time, the clinical significance of this alteration remains unclear.

Quest Diagnostics Nichols Institute San Juan Capistrano
Classification: Uncertain significance. Last evaluated: 2024-05-13. Review status: criteria provided, single submitter. Criteria: Quest Diagnostics criteria. Collection method: clinical testing. Allele origin: unknown.
Comment: The RAD50 c.366G>C (p.Lys122Asn) variant has been reported in the published literature in individuals with breast cancer ((PMID: 33471991 (2021), see also LOVD). The frequency of this variant in the general population, 0.0000071 (2/282672 chromosomes (Genome Aggregation Database)), is uninformative in the assessment of its pathogenicity. Analysis of this variant using bioinformatics tools for the prediction of the effect of amino acid changes on protein structure and function yielded predictions that this variant is benign. Based on the available information, we are unable to determine the clinical significance of this variant.

Baylor Genetics
Classification: Uncertain significance for Nijmegen breakage syndrome-like disorder. Last evaluated: 2023-07-04. Review status: criteria provided, single submitter. Criteria: ACMG Guidelines, 2015. Collection method: clinical testing. Allele origin: unknown.

Literature cited by the submitters: PubMed 33471991 (cited by Quest Diagnostics Nichols Institute San Juan Capistrano).

NM_005732.4(RAD50):c.366G>C (p.Lys122Asn)

Gene: RAD50 (RAD50 double strand break repair protein; plus strand). Cytogenetic location: 5q31.1.
Variant type: single nucleotide variant.
Coding change: c.366G>C on transcript NM_005732.4 (MANE Select); coding-DNA position 366, G replaced by C.
Protein change: p.Lys122Asn; replaces lysine 122 with asparagine.
Molecular consequence: missense variant.
Genome position (GRCh38, 1-based): chr5:132,579,317, G>C. VCF-style: chr5-132579317-G-C. GRCh37 (hg19) VCF-style: chr5-131915009-G-C.
Other names: short protein forms K122N.
Identifiers: ClinVar variation 142325 (VCV000142325.17), dbSNP rs587782384, ClinGen allele CA168075.